The following is an entry in ClinVar:

NM_003998.4(NFKB1):c.412G>A (p.Ala138Thr)

Gene: NFKB1 (nuclear factor kappa B subunit 1; plus strand). Cytogenetic location: 4q24.
Variant type: single nucleotide variant.
Coding change: c.412G>A on transcript NM_003998.4 (MANE Select); coding-DNA position 412, G replaced by A.
Protein change: p.Ala138Thr; replaces alanine 138 with threonine.
Molecular consequence: missense variant.
Genome position (GRCh38, 1-based): chr4:102,576,880, G>A. VCF-style: chr4-102576880-G-A. GRCh37 (hg19) VCF-style: chr4-103498037-G-A.
Other names: c.409G>A, p.Ala137Thr (NM_001165412.2, NM_001319226.2, NM_001382627.1); c.412G>A, p.Ala138Thr (NM_001382625.1, NM_001382626.1); c.370G>A, p.Ala124Thr (NM_001382628.1); short protein forms A124T, A137T, A138T.
Identifiers: ClinVar variation 3391402 (VCV003391402.1).
Genomic context (GRCh38, chr4:102,576,880, plus strand): 5'-ATTAAGTGCCTAACTTTTGGTTGTTGTTGCTGCTGCTGTTACTGTTTTTTCTCCAGCTTC[G>A]CAAACCTGGGTATACTTCATGTGACAAAGAAAAAAGTATTTGAAACACTGGAAGCACGAA-3'
Protein context (NP_003989.2, residues 128-148): AGPKDMVVGF[Ala138Thr]NLGILHVTKK

ClinVar aggregate classification (germline): Uncertain significance (1 of 4 stars; one submission).

Conditions:
Immunodeficiency, common variable, 12 (CVID12). Also called: IMMUNODEFICIENCY, COMMON VARIABLE, 12, WITH AUTOIMMUNITY; NFKB1 DEFICIENCY. Identifiers: Orphanet 1572, Orphanet 696874, MedGen C4225277, MONDO:0014697, OMIM 616576.

gnomAD v4.1: 6 of 1,602,744 alleles (0.00037%); highest among the groups gnomAD compares: South Asian, 0.0045%; no homozygotes.

Submission:

Neuberg Centre For Genomic Medicine, NCGM
Classification: Uncertain significance for Immunodeficiency, common variable, 12. Last evaluated: 2023-06-22. Review status: criteria provided, single submitter. Criteria: ACMG Guidelines, 2015. Collection method: clinical testing. Allele origin: germline. Inheritance: Autosomal dominant inheritance. Affected: yes.
Comment: The missense variant c.412G>A p.Ala138Thr in the NFKB1 gene has not been reported previously as a pathogenic variant nor as a benign variant, to our knowledge. This variant is reported with the allele frequency 0.0004% in the gnomAD Exomes. The amino acid Ala at position 138 is changed to a Thr changing protein sequence and it might alter its composition and physico-chemical properties. Computational evidence Polyphen, SIFT and MutationTaster predicts conflicting evidence on protein structure and function for this variant. The amino acid change p.Ala138Thr in NFKB1 is predicted as conserved by GERP++ and PhyloP across 100 vertebrates. For these reasons, this variant has been classified as Uncertain Significance.